The following is an entry in ClinVar:

ClinVar aggregate classification (germline): Likely benign (1 of 4 stars; one submission).

Conditions:
ATP8B1-related disorder. Also called: ATP8B1-related disorders; ATP8B1-related condition.

Submission:

PreventionGenetics, part of Exact Sciences
Classification: Likely benign for ATP8B1-related condition. Last evaluated: 2026-04-27. Review status: criteria provided, single submitter. Criteria: ACMG Guidelines, 2015. Collection method: clinical testing. Allele origin: germline.
Comment: This variant is classified as likely benign based on ACMG/AMP sequence variant interpretation guidelines (Richards et al. 2015 PMID: 25741868, with internal and published modifications).

NM_001374385.1(ATP8B1):c.941-158C>T

Genes: ATP8B1 (ATPase phospholipid transporting 8B1; minus strand), LOC126862761 (CDK7 strongly-dependent group 2 enhancer GRCh37_chr18:55360919-55362118; plus strand). Cytogenetic location: 18q21.31.
Variant type: single nucleotide variant.
Coding change: c.941-158C>T on transcript NM_001374385.1 (MANE Select); 158 bases into the intron before coding-DNA position 941, C replaced by T.
Molecular consequence: intron variant.
Genome position (GRCh38, 1-based): chr18:57,694,828, G>A on the plus strand (C>T on the coding strand, the complement: ATP8B1 is on the minus strand). VCF-style: chr18-57694828-G-A. GRCh37 (hg19) VCF-style: chr18-55362060-G-A.
Other names: c.941-158C>T (NM_005603.6); c.791-158C>T (NM_001374386.1).
Identifiers: ClinVar variation 4983796 (VCV004983796.1).